The following is an entry in ClinVar:

NM_032387.5(WNK4):c.1556G>A (p.Arg519Gln)

Gene: WNK4 (WNK lysine deficient protein kinase 4; plus strand). Cytogenetic location: 17q21.2.
Variant type: single nucleotide variant.
Coding change: c.1556G>A on transcript NM_032387.5 (MANE Select); coding-DNA position 1556, G replaced by A.
Protein change: p.Arg519Gln; replaces arginine 519 with glutamine.
Molecular consequence: missense variant.
Genome position (GRCh38, 1-based): chr17:42,787,357, G>A. VCF-style: chr17-42787357-G-A. GRCh37 (hg19) VCF-style: chr17-40939375-G-A.
Other names: c.548G>A, p.Arg183Gln (NM_001321299.2); short protein forms R183Q, R519Q.
Identifiers: ClinVar variation 3190681 (VCV003190681.2), dbSNP rs139245311, ClinGen allele CA8584022.

ClinVar aggregate classification (germline): Uncertain significance. Review status: criteria provided, multiple submitters, no conflicts (2 of 4 stars). 2 submissions from 2 submitters: Uncertain significance (2). Last evaluated 2025-10-20.

Conditions:
Inborn genetic diseases. Identifiers: MedGen C0950123, MeSH D030342.

Allele frequency attached by ClinVar (database versions not stated): gnomAD 0.00001; ExAC 0.00002; gnomAD exomes 0.00002; TOPMed 0.00003; ESP Exome Variant Server 0.00023.
gnomAD v4.1: 37 of 1,613,986 alleles (0.0023%); highest among the groups gnomAD compares: Non-Finnish European, 0.0029%; no homozygotes.

Submissions (2):

Labcorp Genetics (formerly Invitae), Labcorp
Classification: Uncertain significance. Last evaluated: 2025-10-20. Review status: criteria provided, single submitter. Criteria: Invitae Variant Classification Sherloc (09022015). Collection method: clinical testing. Allele origin: germline.
Comment: This sequence change replaces arginine, which is basic and polar, with glutamine, which is neutral and polar, at codon 519 of the WNK4 protein (p.Arg519Gln). This variant is present in population databases (rs139245311, gnomAD 0.003%). This variant has not been reported in the literature in individuals affected with WNK4-related conditions. ClinVar contains an entry for this variant (Variation ID: 3190681). Invitae Evidence Modeling of protein sequence and biophysical properties (such as structural, functional, and spatial information, amino acid conservation, physicochemical variation, residue mobility, and thermodynamic stability) indicates that this missense variant is not expected to disrupt WNK4 protein function with a negative predictive value of 95%. In summary, the available evidence is currently insufficient to determine the role of this variant in disease. Therefore, it has been classified as a Variant of Uncertain Significance.

Ambry Genetics
Classification: Uncertain significance for Inborn genetic diseases. Last evaluated: 2023-10-25. Review status: criteria provided, single submitter. Criteria: Ambry Variant Classification Scheme 2023. Collection method: clinical testing. Allele origin: germline.